The following is an entry in ClinVar:

NM_001267550.2(TTN):c.28681G>A (p.Ala9561Thr)

Gene: TTN (titin; minus strand). Cytogenetic location: 2q31.2.
Variant type: single nucleotide variant.
Coding change: c.28681G>A on transcript NM_001267550.2 (MANE Select); coding-DNA position 28681, G replaced by A.
Protein change: p.Ala9561Thr; replaces alanine 9561 with threonine.
Molecular consequence: missense variant. On other transcripts: intron variant (3).
Genome position (GRCh38, 1-based): chr2:178,709,638, C>T on the plus strand (G>A on the coding strand, the complement: TTN is on the minus strand). VCF-style: chr2-178709638-C-T. GRCh37 (hg19) VCF-style: chr2-179574365-C-T.
Other names: c.27730G>A, p.Ala9244Thr (NM_001256850.1); c.24949G>A, p.Ala8317Thr (NM_133378.4); c.13282+28444G>A (NM_003319.4); c.13858+28444G>A (NM_133437.4); c.13657+28444G>A (NM_133432.3); short protein forms A8317T, A9561T, A9244T.
Identifiers: ClinVar variation 192000 (VCV000192000.9), dbSNP rs373380202, ClinGen allele CA238069.
Genomic context (GRCh38, chr2:178,709,638, plus strand): 5'-TTGAAGACGTGCACAGAGCAGAGCCTGCATCATTGGACACTTTGCATGTGTACAAACCAG[C>T]GTCGTTCATGCCTGCTTTCCTGACTTGCAGCACTAACGTGTTGTTCTTGAATGTTATTTC-3'
Protein context (NP_001254479.2, residues 9551-9571): LQVRKAGMND[Ala9561Thr]GLYTCKVSND

ClinVar aggregate classification (germline): Conflicting classifications of pathogenicity. Review status: criteria provided, conflicting classifications (1 of 4 stars). 8 submissions from 4 submitters: Uncertain significance (5); Benign (1); Likely benign (2). Last evaluated 2026-02-16.

Conditions:
TTN-related disorder. Also called: TTN-related condition; TTN-related disease; TTN-related disorders.
Tibial muscular dystrophy (TMD). Also called: Udd Distal Myopathy – Tibial Muscular Dystrophy; UDD MYOPATHY; Tibial muscular dystrophy, tardive. Identifiers: Orphanet 609, MedGen C1838244, MONDO:0010870, OMIM 600334.
Early-onset myopathy with fatal cardiomyopathy (CMYO5). Also called: CONGENITAL MYOPATHY 5 WITH CARDIOMYOPATHY; Salih Myopathy. Identifiers: Orphanet 289377, MedGen C2673677, MONDO:0012714, OMIM 611705. Disease mechanism: loss of function.
Autosomal recessive limb-girdle muscular dystrophy type 2J (LGMDR10). Also called: Limb-girdle muscular dystrophy, type 2J; MUSCULAR DYSTROPHY, LIMB-GIRDLE, AUTOSOMAL RECESSIVE 10. Identifiers: Orphanet 140922, MedGen C1837342, MONDO:0012127, OMIM 608807.
Myopathy, myofibrillar, 9, with early respiratory failure (MFM9). Also called: Hereditary myopathy with early respiratory failure; EDSTROM MYOPATHY; MYOPATHY, PROXIMAL, WITH EARLY RESPIRATORY MUSCLE INVOLVEMENT; Myopathy, distal, with early respiratory failure, autosomal dominant. Identifiers: Orphanet 178464, Orphanet 34521, MedGen C1863599, MONDO:0011362, OMIM 603689.
Dilated cardiomyopathy 1G (CMD1G). Identifiers: Orphanet 154, MedGen C1858763, MONDO:0011400, OMIM 604145.

Allele frequency attached by ClinVar (database versions not stated): gnomAD exomes 0.00001 and 0.00004; ExAC 0.00005; gnomAD 0.00011; TOPMed 0.00014; ESP Exome Variant Server 0.00016; 1000 Genomes Project 0.00020; 1000 Genomes Project 30x 0.00031.
gnomAD v4.1: 36 of 1,613,908 alleles (0.0022%); highest among the groups gnomAD compares: African/African-American, 0.028%; no homozygotes.

Submissions (8):

PreventionGenetics, part of Exact Sciences
Classification: Uncertain significance for TTN-related condition. Last evaluated: 2026-02-16. Review status: criteria provided, single submitter. Criteria: ACMG Guidelines, 2015. Collection method: clinical testing. Allele origin: germline.
Comment: The TTN c.28681G>A variant is predicted to result in the amino acid substitution p.Ala9561Thr. This variant has been reported in an individual who underwent exome sequencing (referred to as c.24949G>A, p.Ala8317Thr from transcript NM_133378 in Supplemental Table 3, Ng et al. 2013. PubMed ID: 23861362). This variant is reported in 0.029% of alleles in individuals of African descent in gnomAD. At this time, the clinical significance of this variant is uncertain due to the absence of conclusive functional and genetic evidence.

GeneDx
Classification: Likely benign. Last evaluated: 2019-01-30. Review status: criteria provided, single submitter. Criteria: GeneDx Variant Classification Process June 2021. Collection method: clinical testing. Allele origin: germline. Affected: yes.
Comment: This variant is associated with the following publications: (PMID: 23861362)

Illumina Laboratory Services, Illumina
Classification: Benign for Tibial muscular dystrophy. Last evaluated: 2018-01-12. Review status: criteria provided, single submitter. Criteria: ICSL Variant Classification Criteria 13 December 2019. Collection method: clinical testing. Allele origin: germline.
Comment: This variant was observed in the ICSL laboratory as part of a predisposition screen in an ostensibly healthy population. It had not been previously curated by ICSL or reported in the Human Gene Mutation Database (HGMD: prior to June 1st, 2018), and was therefore a candidate for classification through an automated scoring system. Utilizing variant allele frequency, disease prevalence and penetrance estimates, and inheritance mode, an automated score was calculated to assess if this variant is too frequent to cause the disease. Based on the score and internal cut-off values, a variant classified as benign is not then subjected to further curation. The score for this variant resulted in a classification of benign for this disease.

Illumina Laboratory Services, Illumina
Classification: Uncertain significance for Autosomal recessive limb-girdle muscular dystrophy type 2J. Last evaluated: 2018-01-12. Review status: criteria provided, single submitter. Criteria: ICSL Variant Classification Criteria 13 December 2019. Collection method: clinical testing. Allele origin: germline.

Illumina Laboratory Services, Illumina
Classification: Likely benign for Myopathy, myofibrillar, 9, with early respiratory failure. Last evaluated: 2018-01-12. Review status: criteria provided, single submitter. Criteria: ICSL Variant Classification Criteria 13 December 2019. Collection method: clinical testing. Allele origin: germline.
Comment: This variant was observed in the ICSL laboratory as part of a predisposition screen in an ostensibly healthy population. It had not been previously curated by ICSL or reported in the Human Gene Mutation Database (HGMD: prior to June 1st, 2018), and was therefore a candidate for classification through an automated scoring system. Utilizing variant allele frequency, disease prevalence and penetrance estimates, and inheritance mode, an automated score was calculated to assess if this variant is too frequent to cause the disease. Based on the score and internal cut-off values, a variant classified as likely benign is not then subjected to further curation. The score for this variant resulted in a classification of likely benign for this disease.

Illumina Laboratory Services, Illumina
Classification: Uncertain significance for Early-onset myopathy with fatal cardiomyopathy. Last evaluated: 2018-01-12. Review status: criteria provided, single submitter. Criteria: ICSL Variant Classification Criteria 13 December 2019. Collection method: clinical testing. Allele origin: germline.

Illumina Laboratory Services, Illumina
Classification: Uncertain significance for Dilated cardiomyopathy 1G. Last evaluated: 2018-01-12. Review status: criteria provided, single submitter. Criteria: ICSL Variant Classification Criteria 13 December 2019. Collection method: clinical testing. Allele origin: germline.

Biesecker Lab/Clinical Genomics Section, National Institutes of Health
Classification: Uncertain significance. Last evaluated: 2013-06-24. Review status: criteria provided, single submitter. Criteria: Ng et al. (Circ Cardiovasc Genet. 2013). Collection method: research. Allele origin: unknown. Observed: 1 variant allele. Study: ClinSeq.
Comment: The study set was not selected for affection status in relation to any cancer. Pathogenicity categories were based on literature curation. See Pubmed ID:23861362 for details.

Medical sequencing